The following is an entry in ClinVar:

ClinVar aggregate classification (germline): Uncertain significance. Review status: criteria provided, multiple submitters, no conflicts (2 of 4 stars). 2 submissions from 2 submitters: Uncertain significance (2). Last evaluated 2024-12-25.

Allele frequency attached by ClinVar (database versions not stated): ExAC 0.00001; TOPMed 0.00006.
gnomAD v4.1: 61 of 1,613,012 alleles (0.0038%); highest among the groups gnomAD compares: Admixed American, 0.005%; no homozygotes.

Submissions (2):

Ambry Genetics
Classification: Uncertain significance. Last evaluated: 2024-12-25. Review status: criteria provided, single submitter. Criteria: Ambry Variant Classification Scheme 2023. Collection method: clinical testing. Allele origin: germline.

Labcorp Genetics (formerly Invitae), Labcorp
Classification: Uncertain significance. Last evaluated: 2023-06-20. Review status: criteria provided, single submitter. Criteria: Invitae Variant Classification Sherloc (09022015). Collection method: clinical testing. Allele origin: germline.
Comment: In summary, the available evidence is currently insufficient to determine the role of this variant in disease. Therefore, it has been classified as a Variant of Uncertain Significance. This sequence change replaces methionine, which is neutral and non-polar, with leucine, which is neutral and non-polar, at codon 527 of the NFATC1 protein (p.Met527Leu). This variant is present in population databases (rs760762417, gnomAD 0.003%). This variant has not been reported in the literature in individuals affected with NFATC1-related conditions. An algorithm developed to predict the effect of missense changes on protein structure and function (PolyPhen-2) suggests that this variant is likely to be disruptive.

NM_001278669.2(NFATC1):c.1579A>T (p.Met527Leu)

Gene: NFATC1 (nuclear factor of activated T cells 1; plus strand). Cytogenetic location: 18q23.
Variant type: single nucleotide variant.
Coding change: c.1579A>T on transcript NM_001278669.2 (MANE Select); coding-DNA position 1579, A replaced by T.
Protein change: p.Met527Leu; replaces methionine 527 with leucine.
Molecular consequence: missense variant.
Genome position (GRCh38, 1-based): chr18:79,448,974, A>T. VCF-style: chr18-79448974-A-T. GRCh37 (hg19) VCF-style: chr18-77208974-A-T.
Other names: c.1579A>T, p.Met527Leu (NM_001278670.2, NM_006162.5, NM_172390.3); c.1540A>T, p.Met514Leu (NM_001278672.2, NM_001278675.2, NM_172387.3 and 1 more transcripts); c.163A>T, p.Met55Leu (NM_001278673.2, NM_172388.3); c.1540A>T (NM_172387.1); short protein forms M514L, M527L, M55L.
Identifiers: ClinVar variation 2770350 (VCV002770350.4), dbSNP rs760762417, ClinGen allele CA9009239.